The following is an entry in ClinVar:

ClinVar aggregate classification (germline): Likely benign. Review status: criteria provided, single submitter (1 of 4 stars). 2 submissions from 2 submitters: Likely benign (1). 1 of the submissions does not count toward it. Last evaluated 2018-09-25.

Conditions:
ELMO2-related disorder. Also called: ELMO2-related condition.

Allele frequency attached by ClinVar (database versions not stated): ESP Exome Variant Server 0.00023; TOPMed 0.00032; gnomAD 0.00040 and 0.00046; ExAC 0.00046; gnomAD exomes 0.00046 and 0.00065.
gnomAD v4.1: 995 of 1,613,796 alleles (0.062%); highest among the groups gnomAD compares: Non-Finnish European, 0.076%; no homozygotes.

Submissions (2):

Labcorp Genetics (formerly Invitae), Labcorp
Classification: Likely benign. Last evaluated: 2018-09-25. Review status: criteria provided, single submitter. Criteria: Invitae Variant Classification Sherloc (09022015). Collection method: clinical testing. Allele origin: germline.

PreventionGenetics, part of Exact Sciences
Classification: Likely benign for ELMO2-related condition. Last evaluated: 2019-05-06. Review status: no assertion criteria provided. Collection method: clinical testing. Allele origin: germline. Not counted in ClinVar's aggregate classification.
Comment: This variant is classified as likely benign based on ACMG/AMP sequence variant interpretation guidelines (Richards et al. 2015 PMID: 25741868, with internal and published modifications).

NM_133171.5(ELMO2):c.87C>G (p.Pro29=)

Gene: ELMO2 (engulfment and cell motility 2; minus strand). Cytogenetic location: 20q13.12.
Variant type: single nucleotide variant.
Coding change: c.87C>G on transcript NM_133171.5 (MANE Select); coding-DNA position 87, C replaced by G.
Protein change: p.Pro29=; no amino-acid change (proline 29 retained).
Molecular consequence: synonymous variant. On other transcripts: 5 prime UTR variant (1).
Genome position (GRCh38, 1-based): chr20:46,394,081, G>C on the plus strand (C>G on the coding strand, the complement: ELMO2 is on the minus strand). VCF-style: chr20-46394081-G-C. GRCh37 (hg19) VCF-style: chr20-45022720-G-C.
Other names: c.-246C>G (NM_001318253.2); c.87C>G, p.Pro29= (NM_182764.3).
Identifiers: ClinVar variation 747850 (VCV000747850.5), dbSNP rs147152999, ClinGen allele CA9890477.